The following is an entry in ClinVar:

NM_022124.6(CDH23):c.9903C>T (p.Pro3301=)

Gene: CDH23 (cadherin related 23; plus strand). Cytogenetic location: 10q22.1.
Variant type: single nucleotide variant.
Coding change: c.9903C>T on transcript NM_022124.6 (MANE Select); coding-DNA position 9903, C replaced by T.
Protein change: p.Pro3301=; no amino-acid change (proline 3301 retained).
Molecular consequence: synonymous variant.
Genome position (GRCh38, 1-based): chr10:71,815,116, C>T. VCF-style: chr10-71815116-C-T. GRCh37 (hg19) VCF-style: chr10-73574873-C-T.
Other names: p.P3301P:CCC>CCT; c.3183C>T, p.Pro1061= (NM_001171933.1); c.3078C>T, p.Pro1026= (NM_001171934.1); c.594C>T, p.Pro198= (NM_001171935.1); c.489C>T, p.Pro163= (NM_001171936.1).
Identifiers: ClinVar variation 46081 (VCV000046081.57), dbSNP rs55717455, ClinGen allele CA137651.

ClinVar aggregate classification (germline): Conflicting classifications of pathogenicity. Review status: criteria provided, conflicting classifications (1 of 4 stars). 12 submissions from 11 submitters: Uncertain significance (2); Benign (3); Likely benign (3). 4 of the submissions do not count toward it. Last evaluated 2026-05-01.

Conditions:
CDH23-related disorder. Also called: CDH23-related disorders; CDH23-related condition.
Usher syndrome type 1 (USH1). Also called: RETINITIS PIGMENTOSA AND CONGENITAL DEAFNESS. Identifiers: Orphanet 231169, Orphanet 886, MedGen C1568247, MONDO:0010168, OMIM 276900.
Autosomal recessive nonsyndromic hearing loss 12. Also called: DEAFNESS, AUTOSOMAL RECESSIVE 12. Identifiers: Orphanet 90636, MedGen C1832394, MONDO:0011067, OMIM 601386.
Usher syndrome type 1D (USH1D). Also called: USHER SYNDROME, TYPE ID. Identifiers: Orphanet 231169, Orphanet 886, MedGen C1832845, MONDO:0010984, OMIM 601067.

Allele frequency attached by ClinVar (database versions not stated): gnomAD 0.00341; ESP Exome Variant Server 0.00344; 1000 Genomes Project 0.00379; 1000 Genomes Project 30x 0.00437; TOPMed 0.00376.
gnomAD v4.1: 2,171 of 1,611,154 alleles (0.13%); highest among the groups gnomAD compares: African/African-American, 0.82%; 9 homozygotes.

Submissions (12):

CeGaT Center for Human Genetics Tuebingen
Classification: Likely benign. Last evaluated: 2026-05-01. Review status: criteria provided, single submitter. Criteria: CeGaT Center For Human Genetics Tuebingen Variant Classification Criteria Version 2. Collection method: clinical testing. Allele origin: germline. Affected: yes. Observed: 3 variant alleles.
Comment: CDH23: BP4, BP7

Labcorp Genetics (formerly Invitae), Labcorp
Classification: Benign. Last evaluated: 2026-02-01. Review status: criteria provided, single submitter. Criteria: Invitae Variant Classification Sherloc (09022015). Collection method: clinical testing. Allele origin: germline.

Blueprint Genetics
Classification: Likely benign. Last evaluated: 2024-11-25. Review status: criteria provided, single submitter. Criteria: ACMG Guidelines, 2015. Collection method: clinical testing. Allele origin: germline.

Illumina Laboratory Services, Illumina
Classification: Uncertain significance for Usher syndrome type 1D. Last evaluated: 2017-04-28. Review status: criteria provided, single submitter. Criteria: ICSL Variant Classification Criteria 13 December 2019. Collection method: clinical testing. Allele origin: germline.
Comment: This variant was observed as part of a predisposition screen in an ostensibly healthy population. A literature search was performed for the gene, cDNA change, and amino acid change (where applicable). Publications were found based on this search. However, the evidence from the literature, in combination with allele frequency data from public databases where available, was not sufficient to rule this variant in or out of causing disease. Therefore, this variant is classified as a variant of unknown significance.

Illumina Laboratory Services, Illumina
Classification: Uncertain significance for Autosomal recessive nonsyndromic hearing loss 12. Last evaluated: 2017-04-28. Review status: criteria provided, single submitter. Criteria: ICSL Variant Classification Criteria 13 December 2019. Collection method: clinical testing. Allele origin: germline.

Eurofins Ntd Llc (ga)
Classification: Likely benign. Last evaluated: 2015-01-27. Review status: criteria provided, single submitter. Criteria: EGL Classification Definitions 2015. Collection method: clinical testing. Allele origin: germline. Observed: 1 variant allele, 1 heterozygote.

Laboratory for Molecular Medicine, Mass General Brigham Personalized Medicine
Classification: Benign. Last evaluated: 2013-05-13. Review status: criteria provided, single submitter. Criteria: LMM Criteria. Collection method: clinical testing. Allele origin: germline. Observed: 18 variant alleles.
Comment: Pro3301Pro in exon 70 of CDH23: This variant is not expected to have clinical si gnificance because it does not alter an amino acid residue, is not located near a splice junction, and has been identified in 0.2% (16/8498) of European America n chromosomes and 0.7% (28/4302) of African American chromosomes from a broad po pulation by the NHLBI Exome sequencing project, and in 16/2286 (0.7%) chromosome s from the 1000 Genome Project (dbSNP rs55717 455).

GeneDx
Classification: Benign. Last evaluated: 2013-03-29. Review status: criteria provided, single submitter. Criteria: GeneDx Variant Classification (06012015). Collection method: clinical testing. Allele origin: germline. Affected: yes.
Comment: This variant is considered likely benign or benign based on one or more of the following criteria: it is a conservative change, it occurs at a poorly conserved position in the protein, it is predicted to be benign by multiple in silico algorithms, and/or has population frequency not consistent with disease.

PreventionGenetics, part of Exact Sciences
Classification: Benign for CDH23-related condition. Last evaluated: 2020-11-03. Review status: no assertion criteria provided. Collection method: clinical testing. Allele origin: germline. Not counted in ClinVar's aggregate classification.
Comment: This variant is classified as benign based on ACMG/AMP sequence variant interpretation guidelines (Richards et al. 2015 PMID: 25741868, with internal and published modifications).

Natera, Inc.
Classification: Benign for Usher syndrome type 1. Last evaluated: 2020-09-16. Review status: no assertion criteria provided. Collection method: clinical testing. Allele origin: germline. Not counted in ClinVar's aggregate classification.

Clinical Genetics DNA and cytogenetics Diagnostics Lab, Erasmus MC, Erasmus Medical Center
Classification: Likely benign. Review status: no assertion criteria provided. Collection method: clinical testing. Allele origin: germline. Affected: yes. Study: VKGL Data-share Consensus. Not counted in ClinVar's aggregate classification.

Clinical Genetics, Academic Medical Center
Classification: Benign. Review status: no assertion criteria provided. Collection method: clinical testing. Allele origin: germline. Affected: yes. Study: VKGL Data-share Consensus. Not counted in ClinVar's aggregate classification.

Literature cited by the submitters: PubMed 18429043 (cited by Illumina Laboratory Services, Illumina and Laboratory for Molecular Medicine, Mass General Brigham Personalized Medicine).